The following continues an entry in ClinVar:

NM_000256.3(MYBPC3):c.1510AAG[1] (p.Lys505del)

Gene: MYBPC3. ClinVar aggregate classification (germline): Likely pathogenic. Likely pathogenic (15).

Submissions 9 to 17 of 17:

Mayo Clinic Laboratories, Mayo Clinic
Classification: Likely pathogenic. Last evaluated: 2023-04-19. Review status: criteria provided, single submitter. Criteria: ACMG Guidelines, 2015. Collection method: clinical testing. Allele origin: germline. Observed: 1 variant allele.
Comment: PM2_supporting, PM4, PS4

Blueprint Genetics
Classification: Likely pathogenic for MYBPC3-related disorders. Last evaluated: 2023-01-09. Review status: criteria provided, single submitter. Criteria: ACMG Guidelines, 2015. Collection method: clinical testing. Allele origin: germline. Affected: yes. Observed: 2 variant alleles.

Laboratory for Molecular Medicine, Mass General Brigham Personalized Medicine
Classification: Likely pathogenic for Hypertrophic cardiomyopathy. Last evaluated: 2021-05-24. Review status: criteria provided, single submitter. Criteria: ACMG Guidelines, 2015. Collection method: clinical testing. Allele origin: germline. Inheritance: Autosomal dominant inheritance.
Comment: The p.Lys505del variant in MYBPC3 has been reported in at least 15 heterozygous individuals with HCM, 1 individual with SCD, 2 individuals with DCM and 1 infant with severe early-onset left ventricular noncompaction, who carried a second pathogenic variant in MYBPC3. Additionally, it segregated with disease in 3 affected individuals from 3 families (Cardim 2005 PMID: 16566405, Mademont-Soler 2017 PMID: 28771489, Marsiglia 2013 PMID: 24093860, Richard 2003 PMID: 12707239 , Rodriguez-Garcia 2010 PMID: 20433692, Schaefer 2014 PMID: 24602869, Sabater-Molina 2013 DOI:10.4081/cardiogenetics.2013.e5, Campuzano 2017 PMID: 28255936, Norrish 2019 PMID: 31006259, van Lint 2019 PMID: 30847666, Ambry pers. comm., Invitae pers. comm., Bristol Genetics Laboratory pers. comm., LMM data). It has also been identified in 1/35360 Latino chromosomes and 2/128444 European chromosomes by the Genome Aggregation Database. This variant is a deletion of 1 amino acid at position 505 and is not predicted to alter the protein reading-frame; it is unclear if this deletion will impact the protein. In summary, although additional studies are required to fully establish its clinical significance, this variant meets criteria to be classified as likely pathogenic for autosomal dominant HCM. ACMG/AMP Criteria applied: PS4_Strong, PM2_Supporting, PM4_Supporting, PP1.

Laboratorio de Genetica e Diagnostico Molecular, Hospital Israelita Albert Einstein
Classification: Likely pathogenic for MYBPC3-related disease. Last evaluated: 2021-05-19. Review status: criteria provided, single submitter. Criteria: ACMG Guidelines, 2015. Collection method: clinical testing. Allele origin: germline.
Comment: ACMG classification criteria: PS4, PM2, PM4

Center for Advanced Laboratory Medicine, UC San Diego Health, University of California San Diego
Classification: Likely pathogenic for Hypertrophic cardiomyopathy. Last evaluated: 2018-12-31. Review status: criteria provided, single submitter. Criteria: ACMG Guidelines, 2015. Collection method: clinical testing. Allele origin: germline. Affected: yes. Observed: 1 variant allele.

Clinical Genetics Service, Universitary Hospital 12 de Octubre
Classification: Likely pathogenic for Hypertrophic cardiomyopathy 4. Review status: criteria provided, single submitter. Criteria: ACMG Guidelines, 2015. Collection method: clinical testing. Allele origin: germline. Affected: yes.

Laboratory of Genetics and Molecular Cardiology, University of São Paulo
Classification: Likely pathogenic for Hypertrophic cardiomyopathy 4. Review status: criteria provided, single submitter. Criteria: LGCM Criteria August 2015. Collection method: clinical testing. Allele origin: germline. Inheritance: Autosomal dominant inheritance. Affected: yes. Observed: 1 variant allele. Study: Sarcomeric Human Cardiomyopathy Registry (ShaRe).

Clinical Genetics, Academic Medical Center
Classification: Uncertain significance. Review status: flagged submission. Collection method: clinical testing. Allele origin: germline. Affected: yes. Study: VKGL Data-share Consensus. Not counted in ClinVar's aggregate classification.
ClinVar note: Reason: Outlier claim with insufficient supporting evidence

Diagnostic Laboratory, Department of Genetics, University Medical Center Groningen
Classification: Uncertain significance. Review status: flagged submission. Collection method: clinical testing. Allele origin: germline. Affected: yes. Study: VKGL Data-share Consensus. Not counted in ClinVar's aggregate classification.
ClinVar note: Reason: Outlier claim with insufficient supporting evidence

Literature cited by the submitters: PubMed 12707239 (cited by 7 submitters); PubMed 16566405 (cited by 7 submitters); PubMed 24093860 (cited by 7 submitters); PubMed 24602869 (cited by 7 submitters); PubMed 27532257 (cited by 7 submitters); PubMed 28138913 (cited by 5 submitters); PubMed 28255936 (cited by 7 submitters); PubMed 34400558 (cited by 3 submitters); PubMed 32268277 (cited by 3 submitters); PubMed 32826072 (cited by 3 submitters); PubMed 31006259 (cited by 5 submitters); PubMed 30847666 (cited by 6 submitters); PubMed 20433692 (cited by 6 submitters); PubMed 28771489 (cited by 5 submitters); PubMed 32841044 (cited by All of Us Research Program, National Institutes of Health and Color Diagnostics, LLC DBA Color Health); PubMed 33336002 (cited by 3 submitters); PubMed 37904629 (cited by All of Us Research Program, National Institutes of Health and Color Diagnostics, LLC DBA Color Health); PubMed 20474083 (cited by Mayo Clinic Laboratories, Mayo Clinic and Laboratory for Molecular Medicine, Mass General Brigham Personalized Medicine); PubMed 24721642 (cited by Mayo Clinic Laboratories, Mayo Clinic and Laboratory for Molecular Medicine, Mass General Brigham Personalized Medicine).